The following is an entry in ClinVar:

NM_014883.4(FAM13A):c.604C>T (p.His202Tyr)

Gene: FAM13A (family with sequence similarity 13 member A; minus strand). Cytogenetic location: 4q22.1.
Variant type: single nucleotide variant.
Coding change: c.604C>T on transcript NM_014883.4 (MANE Select); coding-DNA position 604, C replaced by T.
Protein change: p.His202Tyr; replaces histidine 202 with tyrosine.
Molecular consequence: missense variant.
Genome position (GRCh38, 1-based): chr4:88,990,974, G>A on the plus strand (C>T on the coding strand, the complement: FAM13A is on the minus strand). VCF-style: chr4-88990974-G-A. GRCh37 (hg19) VCF-style: chr4-89912125-G-A.
Other names: c.604C>T (NM_014883.3); short protein forms H202Y.
Identifiers: ClinVar variation 3777100 (VCV003777100.1).

ClinVar aggregate classification (germline): Uncertain significance (1 of 4 stars; one submission).

Conditions:
FAM13A-related pulmonary fibrosis.

Submission:

University of Washington Department of Laboratory Medicine, University of Washington
Classification: Uncertain significance for FAM13A-related pulmonary fibrosis. Last evaluated: 2021-10-27. Review status: criteria provided, single submitter. Criteria: ACMG Guidelines, 2015. Collection method: clinical testing. Allele origin: unknown. Affected: yes.
Comment: The p.His202Tyr variant in the FAM13A gene has not been previously reported in association with disease and has been identified in 3/251260 chromosomes by the Genome Aggregation Database. The p.His202Tyr variant occurs in the splice region of exon 4 and computational splicing tools do not predict an impact to splicing; however, other in silico tools predict that the p.His202Tyr variant is deleterious. These predictions have not been tested directly. Using ACMG guidelines, this variant was classified as a variant of uncertain significance (ACMG evidence codes used: PM2_supporting, PP3).